The following is an entry in ClinVar:

ClinVar aggregate classification (germline): Uncertain significance (1 of 4 stars; one submission).

Allele frequency attached by ClinVar (database versions not stated): gnomAD exomes below 0.00001; gnomAD 0.00005; TOPMed 0.00006.

Submission:

Labcorp Genetics (formerly Invitae), Labcorp
Classification: Uncertain significance. Last evaluated: 2022-04-03. Review status: criteria provided, single submitter. Criteria: Invitae Variant Classification Sherloc (09022015). Collection method: clinical testing. Allele origin: germline.
Comment: This sequence change replaces leucine, which is neutral and non-polar, with isoleucine, which is neutral and non-polar, at codon 317 of the USH1C protein (p.Leu317Ile). This variant is present in population databases (no rsID available, gnomAD 0.009%). This variant has not been reported in the literature in individuals affected with USH1C-related conditions. Algorithms developed to predict the effect of missense changes on protein structure and function are either unavailable or do not agree on the potential impact of this missense change (SIFT: "Deleterious"; PolyPhen-2: "Possibly Damaging"; Align-GVGD: "Class C0"). In summary, the available evidence is currently insufficient to determine the role of this variant in disease. Therefore, it has been classified as a Variant of Uncertain Significance.

NM_153676.4(USH1C):c.949C>A (p.Leu317Ile)

Gene: USH1C (USH1 protein network component harmonin; minus strand). Cytogenetic location: 11p15.1.
Variant type: single nucleotide variant.
Coding change: c.949C>A on transcript NM_153676.4 (MANE Select); coding-DNA position 949, C replaced by A.
Protein change: p.Leu317Ile; replaces leucine 317 with isoleucine.
Molecular consequence: missense variant. On other transcripts: non-coding transcript variant (1).
Genome position (GRCh38, 1-based): chr11:17,522,854, G>T on the plus strand (C>A on the coding strand, the complement: USH1C is on the minus strand). VCF-style: chr11-17522854-G-T. GRCh37 (hg19) VCF-style: chr11-17544401-G-T.
Other names: c.892C>A, p.Leu298Ile (NM_001297764.2); c.949C>A, p.Leu317Ile (NM_005709.4); short protein forms L298I, L317I.
Identifiers: ClinVar variation 2199696 (VCV002199696.1), dbSNP rs945016475, ClinGen allele CA218458481.